The following is an entry in ClinVar:

NM_020832.3(ZNF687):c.2464C>G (p.Gln822Glu)

Gene: ZNF687 (zinc finger protein 687; plus strand). Cytogenetic location: 1q21.3.
Variant type: single nucleotide variant.
Coding change: c.2464C>G on transcript NM_020832.3 (MANE Select); coding-DNA position 2464, C replaced by G.
Protein change: p.Gln822Glu; replaces glutamine 822 with glutamic acid.
Molecular consequence: missense variant.
Genome position (GRCh38, 1-based): chr1:151,289,264, C>G. VCF-style: chr1-151289264-C-G. GRCh37 (hg19) VCF-style: chr1-151261740-C-G.
Other names: c.2464C>G, p.Gln822Glu (NM_001304763.2, NM_001304764.2); short protein forms Q822E.
Identifiers: ClinVar variation 1923877 (VCV001923877.5), dbSNP rs761140782, ClinGen allele CA1088551.

ClinVar aggregate classification (germline): Uncertain significance (1 of 4 stars; one submission).

Allele frequency attached by ClinVar (database versions not stated): gnomAD exomes 0.00001; ExAC 0.00002; TOPMed 0.00002.

Submission:

Labcorp Genetics (formerly Invitae), Labcorp
Classification: Uncertain significance. Last evaluated: 2023-07-07. Review status: criteria provided, single submitter. Criteria: Invitae Variant Classification Sherloc (09022015). Collection method: clinical testing. Allele origin: germline.
Comment: In summary, the available evidence is currently insufficient to determine the role of this variant in disease. Therefore, it has been classified as a Variant of Uncertain Significance. Algorithms developed to predict the effect of missense changes on protein structure and function output the following: SIFT: "Not Available"; PolyPhen-2: "Benign"; Align-GVGD: "Not Available". The glutamic acid amino acid residue is found in multiple mammalian species, which suggests that this missense change does not adversely affect protein function. ClinVar contains an entry for this variant (Variation ID: 1923877). This variant has not been reported in the literature in individuals affected with ZNF687-related conditions. This variant is present in population databases (rs761140782, gnomAD 0.004%). This sequence change replaces glutamine, which is neutral and polar, with glutamic acid, which is acidic and polar, at codon 822 of the ZNF687 protein (p.Gln822Glu).